The following is an entry in ClinVar:

NM_001377.3(DYNC2H1):c.10645dup (p.Ser3549fs)

Gene: DYNC2H1 (dynein cytoplasmic 2 heavy chain 1; plus strand). Cytogenetic location: 11q22.3.
Variant type: Duplication.
Coding change: c.10645dup on transcript NM_001377.3 (MANE Select); coding-DNA position 10645, one base duplicated (A; older notation c.10645dupA).
Protein change: p.Ser3549fs; shifts the reading frame from serine 3549.
Molecular consequence: frameshift variant.
Genome position (GRCh38, 1-based): chr11:103,259,927, A duplicated. VCF-style (leftmost placement, unchanged base first): chr11-103259926-C-CA. GRCh37 (hg19) VCF-style: chr11-103130655-C-CA.
Other names: c.10666dup, p.Ser3556fs (NM_001080463.2); short protein forms S3549fs, S3556fs.
Identifiers: ClinVar variation 2851592 (VCV002851592.3), dbSNP rs2496662893, ClinGen allele CA2739270873.

ClinVar aggregate classification (germline): Pathogenic (1 of 4 stars; one submission).

Conditions:
Jeune thoracic dystrophy. Also called: Jeune syndrome; Infantile thoracic dystrophy; Thoracic pelvic phalangeal dystrophy; Jeune's syndrome; Chondroectodermal dysplasia-like syndrome; Short-rib thoracic dysplasia. Identifiers: Orphanet 474, MedGen C0265275, MONDO:0018770.

Submission:

Labcorp Genetics (formerly Invitae), Labcorp
Classification: Pathogenic for Jeune thoracic dystrophy. Last evaluated: 2023-04-02. Review status: criteria provided, single submitter. Criteria: Invitae Variant Classification Sherloc (09022015). Collection method: clinical testing. Allele origin: germline.
Comment: This variant is not present in population databases (gnomAD no frequency). This variant has not been reported in the literature in individuals affected with DYNC2H1-related conditions. For these reasons, this variant has been classified as Pathogenic. This sequence change creates a premature translational stop signal (p.Ser3556Lysfs*9) in the DYNC2H1 gene. It is expected to result in an absent or disrupted protein product. Loss-of-function variants in DYNC2H1 are known to be pathogenic (PMID: 23339108, 32753734).

Literature cited by the submitters: PubMed 23339108; PubMed 32753734.